The following is an entry in ClinVar:

ClinVar aggregate classification (germline): Likely benign. Review status: criteria provided, multiple submitters, no conflicts (2 of 4 stars). 2 submissions from 2 submitters: Likely benign (2). Last evaluated 2025-09-15.

Conditions:
Nephronophthisis 15 (NPHP15). Identifiers: Orphanet 3156, MedGen C3541853, MONDO:0013917, OMIM 614845.
CEP164-related disorder. Also called: CEP164-related condition.

Allele frequency attached by ClinVar (database versions not stated): gnomAD exomes 0.00001; ExAC 0.00002; TOPMed below 0.00001; gnomAD 0.00001.

Submissions (2):

PreventionGenetics, part of Exact Sciences
Classification: Likely benign for CEP164-related condition. Last evaluated: 2025-09-15. Review status: criteria provided, single submitter. Criteria: ACMG Guidelines, 2015. Collection method: clinical testing. Allele origin: germline.
Comment: This variant is classified as likely benign based on ACMG/AMP sequence variant interpretation guidelines (Richards et al. 2015 PMID: 25741868, with internal and published modifications).

Labcorp Genetics (formerly Invitae), Labcorp
Classification: Likely benign for Nephronophthisis 15. Last evaluated: 2025-03-30. Review status: criteria provided, single submitter. Criteria: Invitae Variant Classification Sherloc (09022015). Collection method: clinical testing. Allele origin: germline.

NM_014956.5(CEP164):c.3237T>G (p.Ser1079=)

Gene: CEP164 (centrosomal protein 164; plus strand). Cytogenetic location: 11q23.3.
Variant type: single nucleotide variant.
Coding change: c.3237T>G on transcript NM_014956.5 (MANE Select); coding-DNA position 3237, T replaced by G.
Protein change: p.Ser1079=; no amino-acid change (serine 1079 retained).
Molecular consequence: synonymous variant.
Genome position (GRCh38, 1-based): chr11:117,396,570, T>G. VCF-style: chr11-117396570-T-G. GRCh37 (hg19) VCF-style: chr11-117267286-T-G.
Other names: c.3246T>G, p.Ser1082= (NM_001271933.2); c.3237T>G (NM_014956.4).
Identifiers: ClinVar variation 1627567 (VCV001627567.9), dbSNP rs780381724, ClinGen allele CA6295380.
Genomic context (GRCh38, chr11:117,396,570, plus strand): 5'-TTTGCTACACTCAGTGGACTTTTCTACCATGTGTCCCTAGAACCAGACCAAAGAGGTGTC[T>G]TCTTCTCTCTCCCAGAGCAAGGAGGACTTATACTTGGACAGGTGAGTTCCCATAGCCTGT-3'
Protein context (NP_055771.4, residues 1069-1089): SLGTNQTKEV[Ser1079=]SSLSQSKEDL